The following is an entry in ClinVar:

NM_052859.4(RFT1):c.831G>A (p.Val277=)

Gene: RFT1 (RFT1 glycolipid translocator homolog; minus strand). Cytogenetic location: 3p21.1.
Variant type: single nucleotide variant.
Coding change: c.831G>A on transcript NM_052859.4 (MANE Select); coding-DNA position 831, G replaced by A.
Protein change: p.Val277=; no amino-acid change (valine 277 retained).
Molecular consequence: synonymous variant.
Genome position (GRCh38, 1-based): chr3:53,105,799, C>T on the plus strand (G>A on the coding strand, the complement: RFT1 is on the minus strand). VCF-style: chr3-53105799-C-T. GRCh37 (hg19) VCF-style: chr3-53139815-C-T.
Identifiers: ClinVar variation 346189 (VCV000346189.21), dbSNP rs150391936, ClinGen allele CA2451305.

ClinVar aggregate classification (germline): Conflicting classifications of pathogenicity. Review status: criteria provided, conflicting classifications (1 of 4 stars). 3 submissions from 3 submitters: Uncertain significance (1); Likely benign (2). Last evaluated 2026-01-26.

Conditions:
RFT1-congenital disorder of glycosylation (CDG1N). Also called: CDG In; RFT1-CDG; Congenital disorder of glycosylation type In. Identifiers: Orphanet 244310, MedGen C2677590, MONDO:0012783, OMIM 612015.

Allele frequency attached by ClinVar (database versions not stated): gnomAD exomes 0.00013 and 0.00016; ExAC 0.00014; ESP Exome Variant Server 0.00015; gnomAD 0.00015 and 0.00021; TOPMed 0.00020.
gnomAD v4.1: 261 of 1,613,088 alleles (0.016%); highest among the groups gnomAD compares: Non-Finnish European, 0.02%; no homozygotes.

Submissions (3):

Labcorp Genetics (formerly Invitae), Labcorp
Classification: Likely benign for RFT1-congenital disorder of glycosylation. Last evaluated: 2026-01-26. Review status: criteria provided, single submitter. Criteria: Invitae Variant Classification Sherloc (09022015). Collection method: clinical testing. Allele origin: germline.

CeGaT Center for Human Genetics Tuebingen
Classification: Likely benign. Last evaluated: 2025-06-01. Review status: criteria provided, single submitter. Criteria: CeGaT Center For Human Genetics Tuebingen Variant Classification Criteria Version 2. Collection method: clinical testing. Allele origin: germline. Affected: yes. Observed: 1 variant allele.
Comment: RFT1: BP4, BP7

Illumina Laboratory Services, Illumina
Classification: Uncertain significance for RFT1-congenital disorder of glycosylation. Last evaluated: 2018-01-13. Review status: criteria provided, single submitter. Criteria: ICSL Variant Classification Criteria 13 December 2019. Collection method: clinical testing. Allele origin: germline.